The following is an entry in ClinVar:

NM_001129.5(AEBP1):c.1141G>C (p.Glu381Gln)

Gene: AEBP1 (AE binding protein 1; plus strand). Cytogenetic location: 7p13.
Variant type: single nucleotide variant.
Coding change: c.1141G>C on transcript NM_001129.5 (MANE Select); coding-DNA position 1141, G replaced by C.
Protein change: p.Glu381Gln; replaces glutamic acid 381 with glutamine.
Molecular consequence: missense variant.
Genome position (GRCh38, 1-based): chr7:44,109,332, G>C. VCF-style: chr7-44109332-G-C. GRCh37 (hg19) VCF-style: chr7-44148931-G-C.
Other names: c.1141G>C (NM_001129.4); short protein forms E381Q.
Identifiers: ClinVar variation 1328397 (VCV001328397.4), dbSNP rs202186949, ClinGen allele CA4237766.

ClinVar aggregate classification (germline): Uncertain significance. Review status: criteria provided, multiple submitters, no conflicts (2 of 4 stars). 3 submissions from 3 submitters: Uncertain significance (2). 1 of the submissions does not count toward it. Last evaluated 2025-04-03.

Conditions:
Ehlers-Danlos syndrome, classic-like, 2. Identifiers: Orphanet 536532, MedGen C4693870, MONDO:0054813, OMIM 618000.

Allele frequency attached by ClinVar (database versions not stated): ExAC 0.00001; TOPMed 0.00002; 1000 Genomes Project 0.00020; gnomAD exomes 0.00001; 1000 Genomes Project 30x 0.00031; gnomAD 0.00003.
gnomAD v4.1: 23 of 1,463,762 alleles (0.0016%); highest among the groups gnomAD compares: Non-Finnish European, 0.002%; no homozygotes.

Submissions (3):

GeneDx
Classification: Uncertain significance. Last evaluated: 2025-04-03. Review status: criteria provided, single submitter. Criteria: GeneDx Variant Classification Process June 2021. Collection method: clinical testing. Allele origin: germline. Affected: yes.
Comment: Not observed at significant frequency in large population cohorts (gnomAD); In silico analysis indicates that this missense variant does not alter protein structure/function; Has not been previously published as pathogenic or benign to our knowledge

Labcorp Genetics (formerly Invitae), Labcorp
Classification: Uncertain significance. Last evaluated: 2022-04-25. Review status: criteria provided, single submitter. Criteria: Invitae Variant Classification Sherloc (09022015). Collection method: clinical testing. Allele origin: germline.
Comment: This sequence change replaces glutamic acid, which is acidic and polar, with glutamine, which is neutral and polar, at codon 381 of the AEBP1 protein (p.Glu381Gln). This variant is present in population databases (rs202186949, gnomAD 0.007%). This variant has not been reported in the literature in individuals affected with AEBP1-related conditions. ClinVar contains an entry for this variant (Variation ID: 1328397). Algorithms developed to predict the effect of missense changes on protein structure and function output the following: SIFT: "Tolerated"; PolyPhen-2: "Benign"; Align-GVGD: "Class C0". The glutamine amino acid residue is found in multiple mammalian species, which suggests that this missense change does not adversely affect protein function. In summary, the available evidence is currently insufficient to determine the role of this variant in disease. Therefore, it has been classified as a Variant of Uncertain Significance.

Institute of Human Genetics, Cologne University
Classification: Uncertain significance for Ehlers-Danlos syndrome, classic-like, 2. Review status: no assertion criteria provided. Collection method: clinical testing. Allele origin: unknown. Observed: 1 heterozygote. Not counted in ClinVar's aggregate classification.